The following is an entry in ClinVar:

ClinVar aggregate classification (germline): Conflicting classifications of pathogenicity. Review status: criteria provided, conflicting classifications (1 of 4 stars). 3 submissions from 3 submitters: Uncertain significance (2); Likely benign (1). Last evaluated 2025-11-17.

Conditions:
Hereditary pheochromocytoma and paraganglioma. Also called: Hereditary pheochromocytoma-paraganglioma; Hereditary Paraganglioma-Pheochromocytoma Syndromes; Hereditary paragangliomas and pheochromocytomas. Identifiers: Orphanet 29072, MedGen C4274332, MONDO:0017366.
Pheochromocytoma. Also called: MAX-Related Hereditary Paraganglioma-Pheochromocytoma Syndrome. Identifiers: Orphanet 29072, MedGen C0031511, MONDO:0008233, OMIM 171300, HP:0002666.
Pheochromocytoma/paraganglioma syndrome 4. Also called: CAROTID BODY TUMORS AND MULTIPLE EXTRAADRENAL PHEOCHROMOCYTOMAS; SDHB-Related Hereditary Paraganglioma-Pheochromocytoma Syndrome (Paragangliomas 4); SDHB-Related Hereditary Paraganglioma-Pheochromocytoma Syndrome; PARAGANGLIOMA, FAMILIAL MALIGNANT; PARAGANGLIOMAS, HEREDITARY EXTRAADRENAL; PHEOCHROMOCYTOMA, FAMILIAL EXTRAADRENAL. Identifiers: Orphanet 29072, MedGen C1861848, MONDO:0007273, OMIM 115310.
Gastrointestinal stromal tumor. Also called: Gastrointestinal stroma tumor; Gastrointestinal stromal tumor, somatic. Identifiers: Orphanet 44890, MedGen C0238198, MeSH D046152, MONDO:0011719, OMIM 606764, HP:0100723.

Submissions (3):

Dasa
Classification: Uncertain significance. Last evaluated: 2025-11-17. Review status: criteria provided, single submitter. Criteria: DASA Assertion Criteria. Collection method: clinical testing. Allele origin: germline.
Comment: NM_003000.3(SDHB):c.424-9T>G is a splice-region variant. This variant is absent from population databases. Computational prediction algorithms are consistent with a benign effect. The currently available literature and clinical evidence are not sufficient to establish a definitive association between this variant and the reported condition. Therefore, this variant is classified as a variant of uncertain significance.

Labcorp Genetics (formerly Invitae), Labcorp
Classification: Likely benign for Gastrointestinal stromal tumor; Pheochromocytoma/paraganglioma syndrome 4; Pheochromocytoma. Last evaluated: 2025-07-07. Review status: criteria provided, single submitter. Criteria: Invitae Variant Classification Sherloc (09022015). Collection method: clinical testing. Allele origin: germline.

All of Us Research Program, National Institutes of Health
Classification: Uncertain significance for Hereditary pheochromocytoma and paraganglioma. Last evaluated: 2023-06-26. Review status: criteria provided, single submitter. Criteria: ACMG Guidelines, 2015. Collection method: clinical testing. Allele origin: germline. Inheritance: Autosomal dominant inheritance. Observed: 2 variant alleles, 2 heterozygotes.
Comment: This variant causes a T to G nucleotide substitution at the -9 position of intron 4 of the SDHB gene. Splice site prediction tools suggest that this variant may not impact RNA splicing. To our knowledge, functional studies have not been reported for this variant. This variant has not been reported in individuals affected with pheochromocytoma-paraganglioma syndrome in the literature. This variant has not been identified in the general population by the Genome Aggregation Database (gnomAD). The available evidence is insufficient to determine the role of this variant in disease conclusively. Therefore, this variant is classified as a Variant of Uncertain Significance.

This study involves interpretation of variants in research participants for the purpose of population health screening. Participant phenotype was not available at the time of variant classification. Additional details can be found in publication PMID: 35346344, PMCID: PMC8962531

NM_003000.3(SDHB):c.424-9T>G

Gene: SDHB (succinate dehydrogenase complex iron sulfur subunit B; minus strand). Cytogenetic location: 1p36.13.
Variant type: single nucleotide variant.
Coding change: c.424-9T>G on transcript NM_003000.3 (MANE Select); 9 bases into the intron before coding-DNA position 424, T replaced by G.
Molecular consequence: intron variant.
Genome position (GRCh38, 1-based): chr1:17,027,874, A>C on the plus strand (T>G on the coding strand, the complement: SDHB is on the minus strand). VCF-style: chr1-17027874-A-C. GRCh37 (hg19) VCF-style: chr1-17354369-A-C.
Identifiers: ClinVar variation 2159832 (VCV002159832.7), dbSNP rs201327538, ClinGen allele CA18666023.